The following is an entry in ClinVar:

NM_201384.3(PLEC):c.10203C>T (p.Pro3401=)

Gene: PLEC (plectin; minus strand). Cytogenetic location: 8q24.3.
Variant type: single nucleotide variant.
Coding change: c.10203C>T on transcript NM_201384.3 (MANE Select); coding-DNA position 10203, C replaced by T.
Protein change: p.Pro3401=; no amino-acid change (proline 3401 retained).
Molecular consequence: synonymous variant.
Genome position (GRCh38, 1-based): chr8:143,919,618, G>A on the plus strand (C>T on the coding strand, the complement: PLEC is on the minus strand). VCF-style: chr8-143919618-G-A. GRCh37 (hg19) VCF-style: chr8-144993786-G-A.
Other names: c.10284C>T, p.Pro3428= (NM_000445.5); c.10161C>T, p.Pro3387= (NM_201378.4); c.10137C>T, p.Pro3379= (NM_201379.3); c.10614C>T, p.Pro3538= (NM_201380.4); c.10107C>T, p.Pro3369= (NM_201381.3); c.10203C>T, p.Pro3401= (NM_201382.4); c.10215C>T, p.Pro3405= (NM_201383.3).
Identifiers: ClinVar variation 196849 (VCV000196849.23), dbSNP rs201096903, ClinGen allele CA244541.

ClinVar aggregate classification (germline): Benign/Likely benign. Review status: criteria provided, multiple submitters, no conflicts (2 of 4 stars). 7 submissions from 7 submitters: Benign (2); Likely benign (5). Last evaluated 2026-04-01.

Conditions:
Epidermolysis bullosa simplex, Ogna type (EBS5A). Also called: Pidermolysis bullosa simplex 5A, Ogna type; EPIDERMOLYSIS BULLOSA SIMPLEX 5A, OGNA TYPE. Identifiers: Orphanet 79401, MedGen C0432317, MONDO:0007555, OMIM 131950.
Epidermolysis bullosa simplex 5C, with pyloric atresia (EBS5C). Also called: PLEC-Related Epidermolysis Bullosa with Pyloric Atresia; Epidermolysis bullosa simplex with pyloric atresia; PLEC1-Related Epidermolysis Bullosa with Pyloric Atresia. Identifiers: Orphanet 158684, MedGen C2677349, MONDO:0012807, OMIM 612138.
Autosomal recessive limb-girdle muscular dystrophy type 2Q (LGMDR17). Also called: MUSCULAR DYSTROPHY, LIMB-GIRDLE, AUTOSOMAL RECESSIVE 17. Identifiers: Orphanet 254361, MedGen C3150989, MONDO:0013390, OMIM 613723.
Epidermolysis bullosa simplex with nail dystrophy (EBS5D). Identifiers: MedGen C4225309, MONDO:0014661, OMIM 616487.
Epidermolysis bullosa simplex 5B, with muscular dystrophy (EBS5B). Also called: EPIDERMOLYSIS BULLOSA SIMPLEX AND LIMB-GIRDLE MUSCULAR DYSTROPHY; Epidermolysis bullosa simplex with muscular dystrophy. Identifiers: Orphanet 257, MedGen C2931072, MONDO:0009181, OMIM 226670.

Allele frequency attached by ClinVar (database versions not stated): gnomAD exomes 0.00025 and 0.00047; ExAC 0.00064; ESP Exome Variant Server 0.00083; gnomAD 0.00098 and 0.00104; TOPMed 0.00114; 1000 Genomes Project 0.00120; 1000 Genomes Project 30x 0.00187.
gnomAD v4.1: 523 of 1,584,724 alleles (0.033%); highest among the groups gnomAD compares: African/African-American, 0.32%; no homozygotes.

Submissions (7):

CeGaT Center for Human Genetics Tuebingen
Classification: Likely benign. Last evaluated: 2026-04-01. Review status: criteria provided, single submitter. Criteria: CeGaT Center For Human Genetics Tuebingen Variant Classification Criteria Version 2. Collection method: clinical testing. Allele origin: germline. Affected: yes. Observed: 1 variant allele.
Comment: PLEC: BP4, BP7

Labcorp Genetics (formerly Invitae), Labcorp
Classification: Benign for Autosomal recessive limb-girdle muscular dystrophy type 2Q; Epidermolysis bullosa simplex, Ogna type; Epidermolysis bullosa simplex with nail dystrophy; Epidermolysis bullosa simplex 5C, with pyloric atresia; Epidermolysis bullosa simplex 5B, with muscular dystrophy. Last evaluated: 2026-01-28. Review status: criteria provided, single submitter. Criteria: Invitae Variant Classification Sherloc (09022015). Collection method: clinical testing. Allele origin: germline.

Blueprint Genetics
Classification: Likely benign. Last evaluated: 2024-11-11. Review status: criteria provided, single submitter. Criteria: ACMG Guidelines, 2015. Collection method: clinical testing. Allele origin: germline.

Athena Diagnostics
Classification: Benign. Last evaluated: 2024-04-15. Review status: criteria provided, single submitter. Criteria: Athena Diagnostics Criteria. Collection method: clinical testing. Allele origin: unknown.

GeneDx
Classification: Likely benign. Last evaluated: 2018-08-07. Review status: criteria provided, single submitter. Criteria: GeneDx Variant Classification Process June 2021. Collection method: clinical testing. Allele origin: germline. Affected: yes.

Eurofins Ntd Llc (ga)
Classification: Likely benign. Last evaluated: 2017-04-21. Review status: criteria provided, single submitter. Criteria: EGL Classification Definitions 2015. Collection method: clinical testing. Allele origin: germline. Observed: 7 variant alleles, 7 heterozygotes.

Breakthrough Genomics
Classification: Likely benign. Review status: criteria provided, single submitter. Criteria: ACMG Guidelines, 2015. Collection method: not provided. Allele origin: germline. Inheritance: Autosomal recessive inheritance. Affected: yes.

Literature cited by the submitters: PubMed 24292195 (cited by Athena Diagnostics).